The following is an entry in ClinVar:

ClinVar aggregate classification (germline): Pathogenic (1 of 4 stars; one submission).

Conditions:
Bethlem myopathy 1A. Also called: MYOPATHY, BENIGN CONGENITAL, WITH CONTRACTURES; Bethlem myopathy 1; Bethlem Muscular Dystrophy. Identifiers: Orphanet 610, MedGen CN029274, MONDO:0024530, OMIM 158810.

Submission:

Labcorp Genetics (formerly Invitae), Labcorp
Classification: Pathogenic for Bethlem myopathy 1A. Last evaluated: 2026-01-06. Review status: criteria provided, single submitter. Criteria: Invitae Variant Classification Sherloc (09022015). Collection method: clinical testing. Allele origin: germline.
Comment: This sequence change creates a premature translational stop signal (p.Ala778Valfs*35) in the COL6A3 gene. It is expected to result in an absent or disrupted protein product. Loss-of-function variants in COL6A3 are known to be pathogenic (PMID: 26004199). This variant is not present in population databases (gnomAD no frequency). This variant has not been reported in the literature in individuals affected with COL6A3-related conditions. For these reasons, this variant has been classified as Pathogenic.

Literature cited by the submitters: PubMed 26004199.

NM_004369.4(COL6A3):c.2333del (p.Ala778fs)

Gene: COL6A3 (collagen type VI alpha 3 chain; minus strand). Cytogenetic location: 2q37.3.
Variant type: Deletion.
Coding change: c.2333del on transcript NM_004369.4 (MANE Select); coding-DNA position 2333, one base deleted (C; older notation c.2333delC).
Protein change: p.Ala778fs; shifts the reading frame from alanine 778.
Molecular consequence: frameshift variant. On other transcripts: intron variant (1).
Genome position (GRCh38, 1-based): chr2:237,378,800, G deleted on the plus strand (C on the coding strand, the reverse complement: COL6A3 is on the minus strand). VCF-style (leftmost placement, unchanged base first): chr2-237378799-AG-A. GRCh37 (hg19) VCF-style: chr2-238287442-AG-A.
Other names: c.1112del, p.Ala371fs (NM_057164.5); c.1715del, p.Ala572fs (NM_057165.5, NM_057167.4); c.677-1456del (NM_057166.5); short protein forms A572fs, A778fs, A371fs.
Identifiers: ClinVar variation 4734799 (VCV004734799.1).